The following is an entry in ClinVar:

NM_001165963.4(SCN1A):c.4338_6030del (p.Asn1446_Gly2008del)

Gene: SCN1A (sodium voltage-gated channel alpha subunit 1; minus strand).
Variant type: Deletion.
Coding change: c.4338_6030del on transcript NM_001165963.4; coding-DNA positions 4338 to 6030, 1,693 bases deleted.
Protein change: p.Asn1446_Gly2008del.
Identifiers: ClinVar variation 190015 (VCV000190015.1).

ClinVar aggregate classification (germline): Pathogenic (1 of 4 stars; one submission).

Conditions:
Severe myoclonic epilepsy in infancy (DRVT). Also called: Epileptic encephalopathy, early infantile, 6 (Dravet syndrome); SEVERE MYOCLONIC EPILEPSY OF INFANCY; DEVELOPMENTAL AND EPILEPTIC ENCEPHALOPATHY 6A; Severe Myoclonic Epilepsy in Infancy (SMEI); Dravet syndrome. Identifiers: Orphanet 33069, MedGen C0751122, MONDO:0100135, OMIM 607208.

Submission:

Center for Bioinformatics, Peking University
Classification: Pathogenic for Dravet syndrome. Last evaluated: 2014-12-20. Review status: criteria provided, single submitter. Criteria: Xu et al. (Hum Mutat. 2015). Collection method: research. Allele origin: de novo. Affected: yes. Observed: 1 variant allele. Study: University Clinical Cooperation “985 Project” PKU-2014-1-1.
Comment: Dravet syndrome (DS) probands were recruited from the outpatient and inpatient child neurology units of Peking University First Hospital from 2005 till present. The study was approved by the Ethics Committee of Peking University First Hospital and the Institutional Review Board at Peking University. Participants or their parents provided written informed consent before enrollment. We collected a total of 267 mutations from 255 families with probands diagnosed with DS in China. All probands fulfilled the clinical diagnostic criteria.